The following is an entry in ClinVar:

ClinVar aggregate classification (germline): Uncertain significance. Review status: criteria provided, multiple submitters, no conflicts (2 of 4 stars). 2 submissions from 2 submitters: Uncertain significance (2). Last evaluated 2025-02-20.

Conditions:
Hereditary cancer-predisposing syndrome. Also called: Hereditary neoplastic syndrome; Neoplastic Syndromes, Hereditary; Tumor predisposition; Hereditary Cancer Syndrome. Identifiers: Orphanet 140162, MedGen C0027672, MeSH D009386, MONDO:0015356.
Gorlin syndrome. Also called: Nevoid Basal Cell Carcinoma Syndrome; Basal cell nevus syndrome. Identifiers: Orphanet 377, MedGen C0004779, MONDO:0007187.

Allele frequency attached by ClinVar (database versions not stated): TOPMed below 0.00001.

Submissions (2):

Labcorp Genetics (formerly Invitae), Labcorp
Classification: Uncertain significance for Gorlin syndrome. Last evaluated: 2025-02-20. Review status: criteria provided, single submitter. Criteria: Invitae Variant Classification Sherloc (09022015). Collection method: clinical testing. Allele origin: germline.
Comment: This sequence change replaces methionine, which is neutral and non-polar, with lysine, which is basic and polar, at codon 1122 of the PTCH1 protein (p.Met1122Lys). This variant is not present in population databases (gnomAD no frequency). This variant has not been reported in the literature in individuals affected with PTCH1-related conditions. ClinVar contains an entry for this variant (Variation ID: 1019544). Invitae Evidence Modeling of protein sequence and biophysical properties (such as structural, functional, and spatial information, amino acid conservation, physicochemical variation, residue mobility, and thermodynamic stability) has been performed for this missense variant. However, the output from this modeling did not meet the statistical confidence thresholds required to predict the impact of this variant on PTCH1 protein function. In summary, the available evidence is currently insufficient to determine the role of this variant in disease. Therefore, it has been classified as a Variant of Uncertain Significance.

Ambry Genetics
Classification: Uncertain significance for Hereditary cancer-predisposing syndrome. Last evaluated: 2021-12-30. Review status: criteria provided, single submitter. Criteria: Ambry Variant Classification Scheme 2023. Collection method: clinical testing. Allele origin: germline.
Comment: The p.M1122K variant (also known as c.3365T>A), located in coding exon 20 of the PTCH1 gene, results from a T to A substitution at nucleotide position 3365. The methionine at codon 1122 is replaced by lysine, an amino acid with similar properties. This amino acid position is highly conserved in available vertebrate species. In addition, this alteration is predicted to be deleterious by in silico analysis. Since supporting evidence is limited at this time, the clinical significance of this alteration remains unclear.

NM_000264.5(PTCH1):c.3365T>A (p.Met1122Lys)

Gene: PTCH1 (patched 1; minus strand). Cytogenetic location: 9q22.32.
Variant type: single nucleotide variant.
Coding change: c.3365T>A on transcript NM_000264.5 (MANE Select); coding-DNA position 3365, T replaced by A.
Protein change: p.Met1122Lys; replaces methionine 1122 with lysine.
Molecular consequence: missense variant. On other transcripts: non-coding transcript variant (1).
Genome position (GRCh38, 1-based): chr9:95,453,562, A>T on the plus strand (T>A on the coding strand, the complement: PTCH1 is on the minus strand). VCF-style: chr9-95453562-A-T. GRCh37 (hg19) VCF-style: chr9-98215844-A-T.
Other names: c.3167T>A, p.Met1056Lys (NM_001083602.3); c.3362T>A, p.Met1121Lys (NM_001083603.3); c.2912T>A, p.Met971Lys (NM_001083604.3, NM_001083605.3, NM_001083606.3 and 1 more transcripts); c.3209T>A, p.Met1070Lys (NM_001354918.2); short protein forms M1056K, M1070K, M1121K, M1122K, M971K.
Identifiers: ClinVar variation 1019544 (VCV001019544.11), dbSNP rs929802114, ClinGen allele CA196571104.